The following is an entry in ClinVar:

ClinVar aggregate classification (germline): Uncertain significance (1 of 4 stars; one submission).

Conditions:
Cone-rod dystrophy 2 (CORD2). Also called: CONE-ROD RETINAL DYSTROPHY; Cone-rod retinal dystrophy 2. Identifiers: Orphanet 1872, MedGen C3489532, MONDO:0007362, OMIM 120970.
Leber congenital amaurosis 7 (LCA7). Identifiers: Orphanet 65, MedGen C3151192, MONDO:0013449, OMIM 613829.

Allele frequency attached by ClinVar (database versions not stated): TOPMed below 0.00001; gnomAD 0.00001.
gnomAD v4.1: 1 of 1,614,110 alleles (0.000062%); highest among the groups gnomAD compares: Non-Finnish European, 0.000085%; no homozygotes.

Submission:

Labcorp Genetics (formerly Invitae), Labcorp
Classification: Uncertain significance for Cone-rod dystrophy 2; Leber congenital amaurosis 7. Last evaluated: 2025-04-16. Review status: criteria provided, single submitter. Criteria: Invitae Variant Classification Sherloc (09022015). Collection method: clinical testing. Allele origin: germline.
Comment: This sequence change replaces lysine, which is basic and polar, with asparagine, which is neutral and polar, at codon 75 of the CRX protein (p.Lys75Asn). This variant is not present in population databases (gnomAD no frequency). This variant has not been reported in the literature in individuals affected with CRX-related conditions. ClinVar contains an entry for this variant (Variation ID: 1368669). Invitae Evidence Modeling of protein sequence and biophysical properties (such as structural, functional, and spatial information, amino acid conservation, physicochemical variation, residue mobility, and thermodynamic stability) has been performed for this missense variant. However, the output from this modeling did not meet the statistical confidence thresholds required to predict the impact of this variant on CRX protein function. Algorithms developed to predict the effect of sequence changes on RNA splicing suggest that this variant may disrupt the consensus splice site. In summary, the available evidence is currently insufficient to determine the role of this variant in disease. Therefore, it has been classified as a Variant of Uncertain Significance.

NM_000554.6(CRX):c.225G>T (p.Lys75Asn)

Gene: CRX (cone-rod homeobox; plus strand). Cytogenetic location: 19q13.33.
Variant type: single nucleotide variant.
Coding change: c.225G>T on transcript NM_000554.6 (MANE Select); coding-DNA position 225, G replaced by T.
Protein change: p.Lys75Asn; replaces lysine 75 with asparagine.
Molecular consequence: missense variant.
Genome position (GRCh38, 1-based): chr19:47,836,367, G>T. VCF-style: chr19-47836367-G-T. GRCh37 (hg19) VCF-style: chr19-48339624-G-T.
Other names: short protein forms K75N.
Identifiers: ClinVar variation 1368669 (VCV001368669.6), dbSNP rs1568624864, ClinGen allele CA406629793.